The following is an entry in ClinVar:

ClinVar aggregate classification (germline): Uncertain significance (1 of 4 stars; one submission).

Conditions:
Spastic ataxia 2. Also called: Ataxia, spastic, 2, autosomal recessive. Identifiers: Orphanet 397946, MedGen C1969796, MONDO:0012651, OMIM 611302.

Allele frequency attached by ClinVar (database versions not stated): gnomAD 0.00001; TOPMed 0.00001.

Submission:

Labcorp Genetics (formerly Invitae), Labcorp
Classification: Uncertain significance for Spastic ataxia 2. Last evaluated: 2022-04-12. Review status: criteria provided, single submitter. Criteria: Invitae Variant Classification Sherloc (09022015). Collection method: clinical testing. Allele origin: germline.
Comment: In summary, the available evidence is currently insufficient to determine the role of this variant in disease. Therefore, it has been classified as a Variant of Uncertain Significance. Algorithms developed to predict the effect of missense changes on protein structure and function (SIFT, PolyPhen-2, Align-GVGD) all suggest that this variant is likely to be tolerated. This variant has not been reported in the literature in individuals affected with KIF1C-related conditions. This variant is not present in population databases (gnomAD no frequency). This sequence change replaces lysine, which is basic and polar, with arginine, which is basic and polar, at codon 496 of the KIF1C protein (p.Lys496Arg).

NM_006612.6(KIF1C):c.1487A>G (p.Lys496Arg)

Gene: KIF1C (kinesin family member 1C; plus strand). Cytogenetic location: 17p13.2.
Variant type: single nucleotide variant.
Coding change: c.1487A>G on transcript NM_006612.6 (MANE Select); coding-DNA position 1487, A replaced by G.
Protein change: p.Lys496Arg; replaces lysine 496 with arginine.
Molecular consequence: missense variant.
Genome position (GRCh38, 1-based): chr17:5,007,538, A>G. VCF-style: chr17-5007538-A-G. GRCh37 (hg19) VCF-style: chr17-4910833-A-G.
Other names: short protein forms K496R.
Identifiers: ClinVar variation 1954163 (VCV001954163.5), dbSNP rs1484270853, ClinGen allele CA397349781.